The following is an entry in ClinVar:

NM_022489.4(INF2):c.1264C>T (p.Pro422Ser)

Gene: INF2 (inverted formin 2; plus strand). Cytogenetic location: 14q32.33.
Variant type: single nucleotide variant.
Coding change: c.1264C>T on transcript NM_022489.4 (MANE Select); coding-DNA position 1264, C replaced by T.
Protein change: p.Pro422Ser; replaces proline 422 with serine.
Molecular consequence: missense variant.
Genome position (GRCh38, 1-based): chr14:104,707,531, C>T. VCF-style: chr14-104707531-C-T. GRCh37 (hg19) VCF-style: chr14-105173868-C-T.
Other names: p.Pro422Ser; c.1264C>T, p.Pro422Ser (NM_001031714.4); short protein forms P422S.
Identifiers: ClinVar variation 860938 (VCV000860938.17), dbSNP rs767748953, ClinGen allele CA7372540.

ClinVar aggregate classification (germline): Conflicting classifications of pathogenicity. Review status: criteria provided, conflicting classifications (1 of 4 stars). 5 submissions from 5 submitters: Uncertain significance (3); Benign (1); Likely benign (1). Last evaluated 2026-01-26.

Conditions:
Focal segmental glomerulosclerosis 5 (FSGS5). Identifiers: Orphanet 656, MedGen C2750475, MONDO:0013191, OMIM 613237.
Charcot-Marie-Tooth disease dominant intermediate E. Also called: CHARCOT-MARIE-TOOTH NEUROPATHY WITH FOCAL SEGMENTAL GLOMERULONEPHRITIS. Identifiers: Orphanet 93114, MedGen C4302667, MONDO:0013758, OMIM 614455.
INF2-related disorder. Also called: INF2-related condition.
Inborn genetic diseases. Identifiers: MedGen C0950123, MeSH D030342.

Allele frequency attached by ClinVar (database versions not stated): gnomAD 0.00012; gnomAD exomes 0.00016; ExAC 0.00096.

Submissions (5):

Labcorp Genetics (formerly Invitae), Labcorp
Classification: Uncertain significance for Charcot-Marie-Tooth disease dominant intermediate E; Focal segmental glomerulosclerosis 5. Last evaluated: 2026-01-26. Review status: criteria provided, single submitter. Criteria: Invitae Variant Classification Sherloc (09022015). Collection method: clinical testing. Allele origin: germline.
Comment: This sequence change replaces proline, which is neutral and non-polar, with serine, which is neutral and polar, at codon 422 of the INF2 protein (p.Pro422Ser). The frequency data for this variant in the population databases is considered unreliable, as metrics indicate poor data quality at this position in the gnomAD database. This missense change has been observed in individual(s) with pes cavus, length dependent sensory loss, hypoactive reflexes (internal data). ClinVar contains an entry for this variant (Variation ID: 860938). Invitae Evidence Modeling of protein sequence and biophysical properties (such as structural, functional, and spatial information, amino acid conservation, physicochemical variation, residue mobility, and thermodynamic stability) indicates that this missense variant is not expected to disrupt INF2 protein function with a negative predictive value of 95%. In summary, the available evidence is currently insufficient to determine the role of this variant in disease. Therefore, it has been classified as a Variant of Uncertain Significance.

Mayo Clinic Laboratories, Mayo Clinic
Classification: Uncertain significance. Last evaluated: 2023-08-10. Review status: criteria provided, single submitter. Criteria: ACMG Guidelines, 2015. Collection method: clinical testing. Allele origin: germline. Observed: 1 variant allele.
Comment: BP4

PreventionGenetics, part of Exact Sciences
Classification: Uncertain significance for INF2-related condition. Last evaluated: 2022-12-16. Review status: criteria provided, single submitter. Criteria: ACMG Guidelines, 2015. Collection method: clinical testing. Allele origin: germline.
Comment: The INF2 c.1264C>T variant is predicted to result in the amino acid substitution p.Pro422Ser. To our knowledge, this variant has not been reported in the literature. This variant is reported in 0.014% of alleles in individuals of European (Non-Finnish) descent in gnomAD. At this time, the clinical significance of this variant is uncertain due to the absence of conclusive functional and genetic evidence.

Ambry Genetics
Classification: Likely benign for Inborn genetic diseases. Last evaluated: 2021-11-09. Review status: criteria provided, single submitter. Criteria: Ambry Variant Classification Scheme 2023. Collection method: clinical testing. Allele origin: germline.

Illumina Laboratory Services, Illumina
Classification: Benign for Focal segmental glomerulosclerosis 5. Last evaluated: 2018-01-12. Review status: criteria provided, single submitter. Criteria: ICSL Variant Classification Criteria 13 December 2019. Collection method: clinical testing. Allele origin: germline.
Comment: This variant was observed in the ICSL laboratory as part of a predisposition screen in an ostensibly healthy population. It had not been previously curated by ICSL or reported in the Human Gene Mutation Database (HGMD: prior to June 1st, 2018), and was therefore a candidate for classification through an automated scoring system. Utilizing variant allele frequency, disease prevalence and penetrance estimates, and inheritance mode, an automated score was calculated to assess if this variant is too frequent to cause the disease. Based on the score and internal cut-off values, a variant classified as benign is not then subjected to further curation. The score for this variant resulted in a classification of benign for this disease.